The following is an entry in ClinVar:

NM_021926.4(ALX4):c.*1913G>A

Gene: ALX4 (ALX homeobox 4; minus strand). Cytogenetic location: 11p11.2.
Variant type: single nucleotide variant.
Coding change: c.*1913G>A on transcript NM_021926.4 (MANE Select); 1913 bases downstream of the stop codon, G replaced by A.
Molecular consequence: 3 prime UTR variant.
Genome position (GRCh38, 1-based): chr11:44,262,941, C>T on the plus strand (G>A on the coding strand, the complement: ALX4 is on the minus strand). VCF-style: chr11-44262941-C-T. GRCh37 (hg19) VCF-style: chr11-44284491-C-T.
Other names: c.*1913G>A (LRG_1256t1).
Identifiers: ClinVar variation 304647 (VCV000304647.5), dbSNP rs189662898, ClinGen allele CA10638535.

ClinVar aggregate classification (germline): Benign (1 of 4 stars; one submission).

Conditions:
Parietal foramina 2 (PFM2). Identifiers: Orphanet 60015, MedGen C1865044, MONDO:0012309, OMIM 609597.

Allele frequency attached by ClinVar (database versions not stated): 1000 Genomes Project 0.00060; 1000 Genomes Project 30x 0.00062; TOPMed 0.00148; gnomAD 0.00169 and 0.00188; gnomAD exomes 0.04167.

Submission:

Illumina Laboratory Services, Illumina
Classification: Benign for Parietal foramina 2. Last evaluated: 2018-01-12. Review status: criteria provided, single submitter. Criteria: ICSL Variant Classification Criteria 13 December 2019. Collection method: clinical testing. Allele origin: germline.
Comment: This variant was observed in the ICSL laboratory as part of a predisposition screen in an ostensibly healthy population. It had not been previously curated by ICSL or reported in the Human Gene Mutation Database (HGMD: prior to June 1st, 2018), and was therefore a candidate for classification through an automated scoring system. Utilizing variant allele frequency, disease prevalence and penetrance estimates, and inheritance mode, an automated score was calculated to assess if this variant is too frequent to cause the disease. Based on the score and internal cut-off values, a variant classified as benign is not then subjected to further curation. The score for this variant resulted in a classification of benign for this disease.